The following is an entry in ClinVar:

ClinVar aggregate classification (germline): Pathogenic (1 of 4 stars; one submission).

Conditions:
Cohen syndrome (COH1). Also called: PEPPER SYNDROME; Cutis verticis gyrata, retinitis pigmentosa, and sensorineural deafness. Identifiers: Orphanet 193, MedGen C0265223, MONDO:0008999, OMIM 216550.

Submission:

Labcorp Genetics (formerly Invitae), Labcorp
Classification: Pathogenic for Cohen syndrome. Last evaluated: 2022-07-06. Review status: criteria provided, single submitter. Criteria: Invitae Variant Classification Sherloc (09022015). Collection method: clinical testing. Allele origin: germline.
Comment: This variant is a gross deletion of the genomic region encompassing exon(s) 18-58 of the VPS13B gene. This variant would be expected to be in-frame, preserving the integrity of the reading frame. For these reasons, this variant has been classified as Pathogenic. This variant disrupts a region of the VPS13B protein in which other variant(s) (Deletion (Exons 18-21)) have been determined to be pathogenic (PMID: 16648375). This suggests that this is a clinically significant region of the protein, and that variants that disrupt it are likely to be disease-causing. A similar copy number variant has been observed in individual(s) with Cohen syndrome (Invitae). In at least one individual the data is consistent with being in trans (on the opposite chromosome) from a pathogenic variant.

Literature cited by the submitters: PubMed 16648375.

NC_000008.10:g.(?_100286406)_(100874194_?)del

Gene: VPS13B (vacuolar protein sorting 13 homolog B; plus strand). Cytogenetic location: 8q22.2.
Variant type: Deletion.
Identifiers: ClinVar variation 1070731 (VCV001070731.8).